The following is an entry in ClinVar:

NM_020708.5(SLC12A5):c.995A>G (p.Asp332Gly)

Gene: SLC12A5 (solute carrier family 12 member 5; plus strand). Cytogenetic location: 20q13.12.
Variant type: single nucleotide variant.
Coding change: c.995A>G on transcript NM_020708.5 (MANE Select); coding-DNA position 995, A replaced by G.
Protein change: p.Asp332Gly; replaces aspartic acid 332 with glycine.
Molecular consequence: missense variant.
Genome position (GRCh38, 1-based): chr20:46,041,469, A>G. VCF-style: chr20-46041469-A-G. GRCh37 (hg19) VCF-style: chr20-44670108-A-G.
Other names: c.1064A>G, p.Asp355Gly (NM_001134771.2); short protein forms D332G, D355G.
Identifiers: ClinVar variation 1976236 (VCV001976236.5), dbSNP rs567544764, ClinGen allele CA315635221.

ClinVar aggregate classification (germline): Uncertain significance (1 of 4 stars; one submission).

Conditions:
Developmental and epileptic encephalopathy, 34 (DEE34). Also called: SLC12A5-Related Epilepsy of Infancy with Migrating Focal Seizures; Early infantile epileptic encephalopathy 34. Identifiers: Orphanet 293181, MedGen C4225257, MONDO:0014718, OMIM 616645.

Allele frequency attached by ClinVar (database versions not stated): gnomAD exomes below 0.00001.

Submission:

Labcorp Genetics (formerly Invitae), Labcorp
Classification: Uncertain significance for Developmental and epileptic encephalopathy, 34. Last evaluated: 2022-04-12. Review status: criteria provided, single submitter. Criteria: Invitae Variant Classification Sherloc (09022015). Collection method: clinical testing. Allele origin: germline.
Comment: In summary, the available evidence is currently insufficient to determine the role of this variant in disease. Therefore, it has been classified as a Variant of Uncertain Significance. Algorithms developed to predict the effect of sequence changes on RNA splicing suggest that this variant may create or strengthen a splice site. Advanced modeling of protein sequence and biophysical properties (such as structural, functional, and spatial information, amino acid conservation, physicochemical variation, residue mobility, and thermodynamic stability) performed at Invitae indicates that this missense variant is expected to disrupt SLC12A5 protein function. This variant has not been reported in the literature in individuals affected with SLC12A5-related conditions. This variant is not present in population databases (gnomAD no frequency). This sequence change replaces aspartic acid, which is acidic and polar, with glycine, which is neutral and non-polar, at codon 332 of the SLC12A5 protein (p.Asp332Gly).